The following is an entry in ClinVar:

NM_206933.4(USH2A):c.7060C>A (p.Arg2354Ser)

Gene: USH2A (usherin; minus strand). Cytogenetic location: 1q41.
Variant type: single nucleotide variant.
Coding change: c.7060C>A on transcript NM_206933.4 (MANE Select); coding-DNA position 7060, C replaced by A.
Protein change: p.Arg2354Ser; replaces arginine 2354 with serine.
Molecular consequence: missense variant.
Genome position (GRCh38, 1-based): chr1:215,965,377, G>T on the plus strand (C>A on the coding strand, the complement: USH2A is on the minus strand). VCF-style: chr1-215965377-G-T. GRCh37 (hg19) VCF-style: chr1-216138719-G-T.
Other names: short protein forms R2354S.
Identifiers: ClinVar variation 1439626 (VCV001439626.5), dbSNP rs111033508, ClinGen allele CA37450161.

ClinVar aggregate classification (germline): Uncertain significance (1 of 4 stars; one submission).

Submission:

Labcorp Genetics (formerly Invitae), Labcorp
Classification: Uncertain significance. Last evaluated: 2021-08-31. Review status: criteria provided, single submitter. Criteria: Invitae Variant Classification Sherloc (09022015). Collection method: clinical testing. Allele origin: germline.
Comment: This sequence change replaces arginine with serine at codon 2354 of the USH2A protein (p.Arg2354Ser). The arginine residue is weakly conserved and there is a moderate physicochemical difference between arginine and serine. This variant is not present in population databases (ExAC no frequency). This variant has not been reported in the literature in individuals affected with USH2A-related conditions. Algorithms developed to predict the effect of missense changes on protein structure and function output the following: SIFT: "Tolerated"; PolyPhen-2: "Benign"; Align-GVGD: "Class C25". The serine amino acid residue is found in multiple mammalian species, which suggests that this missense change does not adversely affect protein function. In summary, the available evidence is currently insufficient to determine the role of this variant in disease. Therefore, it has been classified as a Variant of Uncertain Significance.